The following is an entry in ClinVar:

NM_000059.4(BRCA2):c.7384T>C (p.Ser2462Pro)

Gene: BRCA2 (BRCA2 DNA repair associated; plus strand). Cytogenetic location: 13q13.1.
Variant type: single nucleotide variant.
Coding change: c.7384T>C on transcript NM_000059.4 (MANE Select); coding-DNA position 7384, T replaced by C.
Protein change: p.Ser2462Pro; replaces serine 2462 with proline.
Molecular consequence: missense variant. On other transcripts: non-coding transcript variant (1).
Genome position (GRCh38, 1-based): chr13:32,355,237, T>C. VCF-style: chr13-32355237-T-C. GRCh37 (hg19) VCF-style: chr13-32929374-T-C.
Other names: c.7288T>C, p.Ser2430Pro (NM_001406719.1); c.7384T>C, p.Ser2462Pro (NM_001406720.1); c.2452T>C, p.Ser818Pro (NM_001406721.1); c.967T>C, p.Ser323Pro (NM_001406722.1); short protein forms S2430P, S2462P, S323P, S818P.
Identifiers: ClinVar variation 2582745 (VCV002582745.7), dbSNP rs1593918545, ClinGen allele CA387741731.
Genomic context (GRCh38, chr13:32,355,237, plus strand): 5'-TCTGATGATAGTAAAAATAAGATTAATGACAATGAGATTCATCAGTTTAACAAAAACAAC[T>C]CCAATCAAGCAGTAGCTGTAACTTTCACAAAGTGTGAAGAAGAACCTTTAGGTATTGTAT-3'
Protein context (NP_000050.3, residues 2452-2472): NEIHQFNKNN[Ser2462Pro]NQAVAVTFTK

ClinVar aggregate classification (germline): Conflicting classifications of pathogenicity. Review status: criteria provided, conflicting classifications (1 of 4 stars). 6 submissions from 6 submitters: Uncertain significance (4); Likely benign (1). 1 of the submissions does not count toward it. Last evaluated 2025-11-21.

Conditions:
Hereditary breast ovarian cancer syndrome. Also called: Hereditary breast and ovarian cancer syndrome; Hereditary breast and ovarian cancer syndrome (HBOC); Hereditary breast and/or ovarian cancer syndrome; Hereditary breast and ovarian cancer; Breast and ovarian cancer; BRCA1- and BRCA2-Associated Hereditary Breast and Ovarian Cancer. Identifiers: Orphanet 145, MedGen C0677776, MeSH D061325, MONDO:0003582. Disease mechanism: loss of function.
BRCA2-related cancer predisposition. Identifiers: MedGen CN377758, MONDO:0700269.
Breast-ovarian cancer, familial, susceptibility to, 2 (BROVCA2). Also called: BRCA2 Hereditary Breast and Ovarian Cancer. Identifiers: Orphanet 145, MedGen C2675520, MONDO:0012933, OMIM 612555. Disease mechanism: loss of function.
Hereditary cancer-predisposing syndrome. Also called: Tumor predisposition; Neoplastic Syndromes, Hereditary; Hereditary Cancer Syndrome; Hereditary neoplastic syndrome. Identifiers: Orphanet 140162, MedGen C0027672, MeSH D009386, MONDO:0015356.

Allele frequency attached by ClinVar (database versions not stated): gnomAD exomes 0.00001.
gnomAD v4.1: 8 of 1,612,954 alleles (0.0005%); highest among the groups gnomAD compares: Non-Finnish European, 0.00068%; no homozygotes.

Submissions (6):

Women's Health and Genetics/Laboratory Corporation of America, LabCorp
Classification: Uncertain significance. Last evaluated: 2025-11-21. Review status: criteria provided, single submitter. Criteria: LabCorp Variant Classification Summary - May 2015. Collection method: clinical testing. Allele origin: germline.
Comment: Variant summary: BRCA2 c.7384T>C (p.Ser2462Pro) results in a non-conservative amino acid change in the encoded protein sequence. Algorithms developed to predict the effect of missense changes on protein structure and function are either unavailable or do not agree on the potential impact of this missense change. The variant was absent in 251074 control chromosomes. The available data on variant occurrences in the general population are insufficient to allow any conclusion about variant significance. c.7384T>C has been observed in an individual affected with breast cancer at an early age, but without a strong family history (Tung_2015). This report does not provide unequivocal conclusions about association of the variant with Hereditary Breast And Ovarian Cancer Syndrome. To our knowledge, no experimental evidence demonstrating an impact on protein function has been reported. The following publication has been ascertained in the context of this evaluation (PMID: 25186627). ClinVar contains an entry for this variant (Variation ID: 2582745). Based on the evidence outlined above, the variant was classified as uncertain significance.

Labcorp Genetics (formerly Invitae), Labcorp
Classification: Uncertain significance for Hereditary breast ovarian cancer syndrome. Last evaluated: 2024-11-03. Review status: criteria provided, single submitter. Criteria: Invitae Variant Classification Sherloc (09022015). Collection method: clinical testing. Allele origin: germline.
Comment: This sequence change replaces serine, which is neutral and polar, with proline, which is neutral and non-polar, at codon 2462 of the BRCA2 protein (p.Ser2462Pro). This variant is not present in population databases (gnomAD no frequency). This variant has not been reported in the literature in individuals affected with BRCA2-related conditions. ClinVar contains an entry for this variant (Variation ID: 2582745). Invitae Evidence Modeling of protein sequence and biophysical properties (such as structural, functional, and spatial information, amino acid conservation, physicochemical variation, residue mobility, and thermodynamic stability) indicates that this missense variant is not expected to disrupt BRCA2 protein function with a negative predictive value of 95%. In summary, the available evidence is currently insufficient to determine the role of this variant in disease. Therefore, it has been classified as a Variant of Uncertain Significance.

All of Us Research Program, National Institutes of Health
Classification: Uncertain significance for BRCA2-related cancer predisposition. Last evaluated: 2024-03-05. Review status: criteria provided, single submitter. Criteria: ACMG Guidelines, 2015. Collection method: clinical testing. Allele origin: germline. Inheritance: Autosomal dominant inheritance. Observed: 1 variant allele, 1 heterozygote.
Comment: This study involves interpretation of variants in research participants for the purpose of population health screening. Participant phenotype was not available at the time of variant classification. Additional details can be found in publication PMID: 35346344, PMCID: PMC8962531

Ambry Genetics
Classification: Likely benign for Hereditary cancer-predisposing syndrome. Last evaluated: 2024-01-10. Review status: criteria provided, single submitter. Criteria: Ambry Variant Classification Scheme 2023. Collection method: clinical testing. Allele origin: germline.

Blueprint Genetics
Classification: Uncertain significance. Last evaluated: 2022-10-20. Review status: criteria provided, single submitter. Criteria: ACMG Guidelines, 2015. Collection method: clinical testing. Allele origin: germline.

Zotz-Klimas Genetics Lab, MVZ Zotz Klimas
Classification: Uncertain significance for Breast-ovarian cancer, familial, susceptibility to, 2. Last evaluated: 2023-10-09. Review status: no assertion criteria provided. Collection method: clinical testing. Allele origin: germline. Affected: yes. Not counted in ClinVar's aggregate classification.

Literature cited by the submitters: PubMed 25186627 (cited by Women's Health and Genetics/Laboratory Corporation of America, LabCorp).